The following is an entry in ClinVar:

ClinVar aggregate classification (germline): Uncertain significance (1 of 4 stars; one submission).

Conditions:
Progressive myoclonic epilepsy type 9. Identifiers: Orphanet 457265, MedGen C4225289, MONDO:0014685, OMIM 616540.
Lipodystrophy, partial, acquired, susceptibility to (APLD). Also called: APLD, SUSCEPTIBILITY TO. Identifiers: MedGen C3887501, MONDO:0100476, OMIM 608709.

Allele frequency attached by ClinVar (database versions not stated): gnomAD exomes below 0.00001.
gnomAD v4.1: 1 of 1,613,602 alleles (0.000062%); highest among the groups gnomAD compares: Non-Finnish European, 0.000085%; no homozygotes.

Submission:

Labcorp Genetics (formerly Invitae), Labcorp
Classification: Uncertain significance for Progressive myoclonic epilepsy type 9; Lipodystrophy, partial, acquired, susceptibility to. Last evaluated: 2024-06-03. Review status: criteria provided, single submitter. Criteria: Invitae Variant Classification Sherloc (09022015). Collection method: clinical testing. Allele origin: germline.
Comment: This sequence change replaces serine, which is neutral and polar, with isoleucine, which is neutral and non-polar, at codon 553 of the LMNB2 protein (p.Ser553Ile). This variant is not present in population databases (gnomAD no frequency). This variant has not been reported in the literature in individuals affected with LMNB2-related conditions. Advanced modeling of protein sequence and biophysical properties (such as structural, functional, and spatial information, amino acid conservation, physicochemical variation, residue mobility, and thermodynamic stability) performed at Invitae indicates that this missense variant is expected to disrupt LMNB2 protein function with a positive predictive value of 80%. In summary, the available evidence is currently insufficient to determine the role of this variant in disease. Therefore, it has been classified as a Variant of Uncertain Significance.

NM_032737.4(LMNB2):c.1658G>T (p.Ser553Ile)

Gene: LMNB2 (lamin B2; minus strand). Cytogenetic location: 19p13.3.
Variant type: single nucleotide variant.
Coding change: c.1658G>T on transcript NM_032737.4 (MANE Select); coding-DNA position 1658, G replaced by T.
Protein change: p.Ser553Ile; replaces serine 553 with isoleucine.
Molecular consequence: missense variant.
Genome position (GRCh38, 1-based): chr19:2,431,835, C>A on the plus strand (G>T on the coding strand, the complement: LMNB2 is on the minus strand). VCF-style: chr19-2431835-C-A. GRCh37 (hg19) VCF-style: chr19-2431833-C-A.
Other names: short protein forms S553I.
Identifiers: ClinVar variation 2946924 (VCV002946924.3), dbSNP rs2512232571, ClinGen allele CA403249360.